The following is an entry in ClinVar:

NM_030928.4(CDT1):c.640C>T (p.Pro214Ser)

Gene: CDT1 (chromatin licensing and DNA replication factor 1; plus strand). Cytogenetic location: 16q24.3.
Variant type: single nucleotide variant.
Coding change: c.640C>T on transcript NM_030928.4 (MANE Select); coding-DNA position 640, C replaced by T.
Protein change: p.Pro214Ser; replaces proline 214 with serine.
Molecular consequence: missense variant.
Genome position (GRCh38, 1-based): chr16:88,805,591, C>T. VCF-style: chr16-88805591-C-T. GRCh37 (hg19) VCF-style: chr16-88871999-C-T.
Other names: short protein forms P214S.
Identifiers: ClinVar variation 1056368 (VCV001056368.6), dbSNP rs370127987, ClinGen allele CA8233740.

ClinVar aggregate classification (germline): Uncertain significance (1 of 4 stars; one submission).

Allele frequency attached by ClinVar (database versions not stated): gnomAD 0.00003; TOPMed 0.00003; 1000 Genomes Project 30x 0.00016; 1000 Genomes Project 0.00020; ExAC 0.00002; ESP Exome Variant Server 0.00008.
gnomAD v4.1: 13 of 1,612,844 alleles (0.00081%); highest among the groups gnomAD compares: African/African-American, 0.0093%; no homozygotes.

Submission:

Labcorp Genetics (formerly Invitae), Labcorp
Classification: Uncertain significance. Last evaluated: 2021-09-01. Review status: criteria provided, single submitter. Criteria: Invitae Variant Classification Sherloc (09022015). Collection method: clinical testing. Allele origin: germline.
Comment: This sequence change replaces proline with serine at codon 214 of the CDT1 protein (p.Pro214Ser). The proline residue is weakly conserved and there is a moderate physicochemical difference between proline and serine. This variant is present in population databases (rs370127987, ExAC 0.01%). This variant has not been reported in the literature in individuals affected with CDT1-related conditions. Algorithms developed to predict the effect of missense changes on protein structure and function (SIFT, PolyPhen-2, Align-GVGD) all suggest that this variant is likely to be tolerated. In summary, the available evidence is currently insufficient to determine the role of this variant in disease. Therefore, it has been classified as a Variant of Uncertain Significance.